The following is an entry in ClinVar:

NM_023110.3(FGFR1):c.2424_2425del (p.Arg809fs)

Gene: FGFR1 (fibroblast growth factor receptor 1; minus strand). Cytogenetic location: 8p11.23.
Variant type: Deletion.
Coding change: c.2424_2425del on transcript NM_023110.3 (MANE Select); coding-DNA positions 2424 to 2425, 2 bases deleted (CC; older notation c.2424_2425delCC).
Protein change: p.Arg809fs; shifts the reading frame from arginine 809.
Molecular consequence: frameshift variant. On other transcripts: intron variant (3).
Genome position (GRCh38, 1-based): chr8:38,413,672-38,413,673, GG deleted on the plus strand (CC on the coding strand, the reverse complement: FGFR1 is on the minus strand); deleting any 2 consecutive bases within chr8:38,413,672-38,413,675 gives the same sequence; the c. name uses the placement nearest the transcript's 3' end. VCF-style (leftmost placement, unchanged base first): chr8-38413671-CGG-C. GRCh37 (hg19) VCF-style: chr8-38271189-CGG-C.
Other names: c.2418_2419del, p.Arg807fs (NM_001174063.2, NM_001174065.2, NM_015850.4); c.2394_2395del, p.Arg799fs (NM_001174064.2); c.2157_2158del, p.Arg720fs (NM_001174066.2, NM_023105.3); c.2517_2518del, p.Arg840fs (NM_001174067.2); c.2145_2146del, p.Arg716fs (NM_001354368.2); c.2412_2413del, p.Arg805fs (NM_001410922.1); c.2151_2152del, p.Arg718fs (NM_023106.3); c.2019+245_2019+246del (NM_001354370.2); and 2 more; short protein forms R716fs, R718fs, R720fs, R799fs, R805fs, R807fs, R809fs, R840fs.
Identifiers: ClinVar variation 4526458 (VCV004526458.1).
Genomic context (GRCh38, chr8:38,413,671, plus strand): 5'-GGGCGTGTGGGTGGCAGTCAGCGGCGTTTGAGTCCGCCATTGGCAAGCTGGGCTGGGTGT[CGG>C]GGCAGGCAGGGCTCCTCGGGCAGCGGCTCATGAGAGAAGACGGAATCCTCCCCTGAGGAG-3'

ClinVar aggregate classification (germline): Likely pathogenic (1 of 4 stars; one submission).

Conditions:
Multiple epiphyseal dysplasia. Also called: Multiple epiphyseal dysplasia (disease). Identifiers: Orphanet 251, MedGen C0026760, MONDO:0016648, HP:0002654.

Submission:

Genetics Department, University Hospital of Toulouse
Classification: Likely pathogenic for Multiple epiphyseal dysplasia. Last evaluated: 2025-09-19. Review status: criteria provided, single submitter. Criteria: ACMG Guidelines, 2015. Collection method: research. Allele origin: germline. Affected: yes. Observed: 9 variant alleles.
Comment: Likely pathogenic based on PM2 (absent from gnomAD), PM4 (protein length–altering variant), PP4 (specific phenotype), and PP1_Strong (segregation in nine affected individuals)